The following is an entry in ClinVar:

NM_020774.4(MIB1):c.2486C>G (p.Thr829Ser)

Gene: MIB1 (MIB E3 ubiquitin protein ligase 1; plus strand). Cytogenetic location: 18q11.2.
Variant type: single nucleotide variant.
Coding change: c.2486C>G on transcript NM_020774.4 (MANE Select); coding-DNA position 2486, C replaced by G.
Protein change: p.Thr829Ser; replaces threonine 829 with serine.
Molecular consequence: missense variant.
Genome position (GRCh38, 1-based): chr18:21,849,288, C>G. VCF-style: chr18-21849288-C-G. GRCh37 (hg19) VCF-style: chr18-19429249-C-G.
Other names: short protein forms T829S.
Identifiers: ClinVar variation 4107597 (VCV004107597.1).

ClinVar aggregate classification (germline): Uncertain significance (1 of 4 stars; one submission).

Conditions:
Inborn genetic diseases. Identifiers: MedGen C0950123, MeSH D030342.

Submission:

Ambry Genetics
Classification: Uncertain significance for Inborn genetic diseases. Last evaluated: 2025-07-28. Review status: criteria provided, single submitter. Criteria: Ambry Variant Classification Scheme 2023. Collection method: clinical testing. Allele origin: germline.
Comment: The p.T829S variant (also known as c.2486C>G), located in coding exon 17 of the MIB1 gene, results from a C to G substitution at nucleotide position 2486. The threonine at codon 829 is replaced by serine, an amino acid with similar properties. This amino acid position is conserved. In addition, the in silico prediction for this alteration is inconclusive. Based on the available evidence, the clinical significance of this variant remains unclear.